The following is an entry in ClinVar:

NM_001135998.3(NDUFB11):c.69G>A (p.Pro23=)

Gene: NDUFB11 (NADH:ubiquinone oxidoreductase subunit B11; minus strand). Cytogenetic location: Xp11.3.
Variant type: single nucleotide variant.
Coding change: c.69G>A on transcript NM_001135998.3 (MANE Select); coding-DNA position 69, G replaced by A.
Protein change: p.Pro23=; no amino-acid change (proline 23 retained).
Molecular consequence: synonymous variant.
Genome position (GRCh38, 1-based): chrX:47,144,611, C>T on the plus strand (G>A on the coding strand, the complement: NDUFB11 is on the minus strand). VCF-style: chrX-47144611-C-T. GRCh37 (hg19) VCF-style: chrX-47004010-C-T.
Other names: c.69G>A, p.Pro23= (NM_019056.7).
Identifiers: ClinVar variation 2660397 (VCV002660397.25), dbSNP rs782285411, ClinGen allele CA10394994.

ClinVar aggregate classification (germline): Likely benign. Review status: criteria provided, multiple submitters, no conflicts (2 of 4 stars). 2 submissions from 2 submitters: Likely benign (2). Last evaluated 2023-05-04.

Allele frequency attached by ClinVar (database versions not stated): gnomAD exomes 0.00007; gnomAD 0.00010; TOPMed 0.00010; ExAC 0.00019.

Submissions (2):

Blueprint Genetics
Classification: Likely benign. Last evaluated: 2023-05-04. Review status: criteria provided, single submitter. Criteria: ACMG Guidelines, 2015. Collection method: clinical testing. Allele origin: germline.

CeGaT Center for Human Genetics Tuebingen
Classification: Likely benign. Last evaluated: 2023-03-01. Review status: criteria provided, single submitter. Criteria: CeGaT Center For Human Genetics Tuebingen Variant Classification Criteria Version 2. Collection method: clinical testing. Allele origin: germline. Affected: yes. Observed: 1 variant allele.
Comment: NDUFB11: BP4, BP7, BS2